The following is an entry in ClinVar:

NM_007294.4(BRCA1):c.2846G>A (p.Gly949Asp)

Gene: BRCA1 (BRCA1 DNA repair associated; minus strand). Cytogenetic location: 17q21.31.
Variant type: single nucleotide variant.
Coding change: c.2846G>A on transcript NM_007294.4 (MANE Select); coding-DNA position 2846, G replaced by A.
Protein change: p.Gly949Asp; replaces glycine 949 with aspartic acid.
Molecular consequence: missense variant. On other transcripts: intron variant (137).
Genome position (GRCh38, 1-based): chr17:43,092,685, C>T on the plus strand (G>A on the coding strand, the complement: BRCA1 is on the minus strand). VCF-style: chr17-43092685-C-T. GRCh37 (hg19) VCF-style: chr17-41244702-C-T.
Other names: p.G949D:GGC>GAC; c.2705G>A, p.Gly902Asp (NM_001407729.1, NM_001407730.1, NM_001407731.1 and 29 more transcripts); c.2702G>A, p.Gly901Asp (NM_001407740.1, NM_001407741.1, NM_001407742.1 and 20 more transcripts); c.2633G>A, p.Gly878Asp (NM_001407571.1, NM_001407853.1, NM_001407894.1 and 9 more transcripts); c.2846G>A, p.Gly949Asp (NM_001407581.1, NM_001407582.1, NM_001407583.1 and 30 more transcripts); c.2843G>A, p.Gly948Asp (NM_001407587.1, NM_001407590.1, NM_001407591.1 and 22 more transcripts); c.2645G>A, p.Gly882Asp (NM_001407862.1); c.2723G>A, p.Gly908Asp (NM_001407863.1, NM_001407919.1, NM_001407648.1 and 19 more transcripts); and 42 more; short protein forms G949D, G902D, G653D, G838D, G908D, G781D, G837D, G878D.
Identifiers: ClinVar variation 182150 (VCV000182150.5), dbSNP rs730881486, ClinGen allele CA001858.
Genomic context (GRCh38, chr17:43,092,685, plus strand): 5'-TTTGGAGTAATGAGTCCAGTTTCGTTGCCTCTGAACTGAGATGATAGACAAAACCTAGAG[C>T]CTCCTTTGATACTACATTTGGCATTATCAACTGGCTTATCTTTCTGACCAACCACAGGAA-3'
Protein context (NP_009225.1, residues 939-959): VDNAKCSIKG[Gly949Asp]SRFCLSSQFR

ClinVar aggregate classification (germline): Conflicting classifications of pathogenicity. Review status: criteria provided, conflicting classifications (1 of 4 stars). 2 submissions from 2 submitters: Uncertain significance (1); Likely benign (1). Last evaluated 2023-03-23.

Conditions:
Hereditary cancer-predisposing syndrome. Also called: Tumor predisposition; Hereditary Cancer Syndrome; Hereditary neoplastic syndrome; Neoplastic Syndromes, Hereditary. Identifiers: Orphanet 140162, MedGen C0027672, MeSH D009386, MONDO:0015356.

Submissions (2):

University of Washington Department of Laboratory Medicine, University of Washington
Classification: Likely benign for Hereditary cancer-predisposing syndrome. Last evaluated: 2023-03-23. Review status: criteria provided, single submitter. Criteria: Dines et al. (Genet Med. 2020). Collection method: curation. Allele origin: germline.
Comment: Missense variant in a coldspot region where missense variants are very unlikely to be pathogenic (PMID:31911673).

BRCA1 coldspot (exon 11 using historical exon numbering). Reclassification based on statistical prior probability

GeneDx
Classification: Uncertain significance. Last evaluated: 2014-08-04. Review status: criteria provided, single submitter. Criteria: GeneDx Variant Classification (06012015). Collection method: clinical testing. Allele origin: germline. Affected: yes.
Comment: This variant is denoted BRCA1 c.2846G>A at the cDNA level, p.Gly949Asp (G949D) at the protein level, and results in the change of a Glycine to an Aspartic Acid (GGC>GAC). This variant has not, to our knowledge, been published in the literature as pathogenic or benign. BRCA1 Gly949Asp was not observed in approximately 6,500 individuals of European and African American ancestry in the NHLBI Exome Sequencing Project, indicating it is not a common benign variant in these populations. Since Glycine and Aspartic Acid differ in polarity, charge, size or other properties, this is considered a non-conservative amino acid substitution. BRCA1 Gly949Asp occurs at a position that is variable across species and is located in the DNA-binding domain (Narod 2004). In silico analyses are inconsistent regarding the effect this variant may have on protein structure and function. Based on currently available information, it is unclear whether BRCA1 Gly949Asp is pathogenic or benign. We consider it to be a variant of uncertain significance.